The following is an entry in ClinVar:

NM_016151.4(TAOK2):c.2933C>T (p.Ala978Val)

Gene: TAOK2 (TAO kinase 2; plus strand). Cytogenetic location: 16p11.2.
Variant type: single nucleotide variant.
Coding change: c.2933C>T on transcript NM_016151.4 (MANE Select); coding-DNA position 2933, C replaced by T.
Protein change: p.Ala978Val; replaces alanine 978 with valine.
Molecular consequence: missense variant. On other transcripts: intron variant (1).
Genome position (GRCh38, 1-based): chr16:29,987,205, C>T. VCF-style: chr16-29987205-C-T. GRCh37 (hg19) VCF-style: chr16-29998526-C-T.
Other names: c.2594C>T, p.Ala865Val (NM_001252043.2); c.2232+701C>T (NM_004783.4); short protein forms A865V, A978V.
Identifiers: ClinVar variation 2095876 (VCV002095876.4), dbSNP rs1596617041, ClinGen allele CA395497394.

ClinVar aggregate classification (germline): Uncertain significance (1 of 4 stars; one submission).

Submission:

Labcorp Genetics (formerly Invitae), Labcorp
Classification: Uncertain significance. Last evaluated: 2022-02-10. Review status: criteria provided, single submitter. Criteria: Invitae Variant Classification Sherloc (09022015). Collection method: clinical testing. Allele origin: germline.
Comment: In summary, the available evidence is currently insufficient to determine the role of this variant in disease. Therefore, it has been classified as a Variant of Uncertain Significance. Algorithms developed to predict the effect of sequence changes on RNA splicing suggest that this variant may create or strengthen a splice site. Algorithms developed to predict the effect of missense changes on protein structure and function are either unavailable or do not agree on the potential impact of this missense change (SIFT: "Tolerated"; PolyPhen-2: "Probably Damaging"; Align-GVGD: "Class C0"). This variant has not been reported in the literature in individuals affected with TAOK2-related conditions. This variant is not present in population databases (gnomAD no frequency). This sequence change replaces alanine, which is neutral and non-polar, with valine, which is neutral and non-polar, at codon 978 of the TAOK2 protein (p.Ala978Val).